The following is an entry in ClinVar:

ClinVar aggregate classification (germline): Uncertain significance (1 of 4 stars; one submission).

Allele frequency attached by ClinVar (database versions not stated): gnomAD exomes 0.00002.
gnomAD v4.1: 23 of 1,614,088 alleles (0.0014%); highest among the groups gnomAD compares: Non-Finnish European, 0.0019%; no homozygotes.

Submission:

Labcorp Genetics (formerly Invitae), Labcorp
Classification: Uncertain significance. Last evaluated: 2025-04-24. Review status: criteria provided, single submitter. Criteria: Invitae Variant Classification Sherloc (09022015). Collection method: clinical testing. Allele origin: germline.
Comment: This sequence change replaces glycine, which is neutral and non-polar, with serine, which is neutral and polar, at codon 8 of the KLHL9 protein (p.Gly8Ser). This variant is not present in population databases (gnomAD no frequency). This variant has not been reported in the literature in individuals affected with KLHL9-related conditions. ClinVar contains an entry for this variant (Variation ID: 2897923). An algorithm developed to predict the effect of missense changes on protein structure and function outputs the following: PolyPhen-2: "Benign". The serine amino acid residue is found in multiple mammalian species, which suggests that this missense change does not adversely affect protein function. In summary, the available evidence is currently insufficient to determine the role of this variant in disease. Therefore, it has been classified as a Variant of Uncertain Significance.

NM_018847.4(KLHL9):c.22G>A (p.Gly8Ser)

Genes: KLHL9 (kelch like family member 9; minus strand), LOC130001592 (ATAC-STARR-seq lymphoblastoid active region 28237; plus strand). Cytogenetic location: 9p21.3.
Variant type: single nucleotide variant.
Coding change: c.22G>A on transcript NM_018847.4 (MANE Select); coding-DNA position 22, G replaced by A.
Protein change: p.Gly8Ser; replaces glycine 8 with serine.
Molecular consequence: missense variant.
Genome position (GRCh38, 1-based): chr9:21,334,838, C>T on the plus strand (G>A on the coding strand, the complement: KLHL9 is on the minus strand). VCF-style: chr9-21334838-C-T. GRCh37 (hg19) VCF-style: chr9-21334837-C-T.
Other names: short protein forms G8S.
Identifiers: ClinVar variation 2897923 (VCV002897923.3), dbSNP rs1820239811, ClinGen allele CA373076663.